The following is an entry in ClinVar:

ClinVar aggregate classification (germline): Likely benign. Review status: reviewed by expert panel (3 of 4 stars). 6 submissions from 6 submitters: Likely benign (1). 5 of the submissions do not count toward it. Last evaluated 2017-06-29.

Conditions:
Hereditary cancer-predisposing syndrome. Also called: Neoplastic Syndromes, Hereditary; Hereditary neoplastic syndrome; Tumor predisposition; Hereditary Cancer Syndrome. Identifiers: Orphanet 140162, MedGen C0027672, MeSH D009386, MONDO:0015356.
Breast-ovarian cancer, familial, susceptibility to, 2 (BROVCA2). Also called: BRCA2 Hereditary Breast and Ovarian Cancer. Identifiers: Orphanet 145, MedGen C2675520, MONDO:0012933, OMIM 612555. Disease mechanism: loss of function.
Hereditary breast ovarian cancer syndrome. Also called: Hereditary breast and ovarian cancer; Breast and ovarian cancer; BRCA1- and BRCA2-Associated Hereditary Breast and Ovarian Cancer; Hereditary breast and ovarian cancer syndrome (HBOC); Hereditary breast and/or ovarian cancer syndrome; Hereditary breast and ovarian cancer syndrome. Identifiers: Orphanet 145, MedGen C0677776, MeSH D061325, MONDO:0003582. Disease mechanism: loss of function.

Allele frequency attached by ClinVar (database versions not stated): gnomAD exomes below 0.00001 and 0.00001; ExAC 0.00001; gnomAD 0.00001; TOPMed 0.00001.
gnomAD v4.1: 12 of 1,611,300 alleles (0.00074%); highest among the groups gnomAD compares: East Asian, 0.02%; no homozygotes.

Submissions (6):

Evidence-based Network for the Interpretation of Germline Mutant Alleles (ENIGMA)
Classification: Likely benign for Breast-ovarian cancer, familial, susceptibility to, 2. Last evaluated: 2017-06-29. Review status: reviewed by expert panel. Criteria: ENIGMA BRCA1/2 Classification Criteria (2017-06-29). Collection method: curation. Allele origin: germline.
Comment: Synonymous substitution variant, with low bioinformatic likelihood to result in a splicing aberration (Splicing prior probability 0.02).

Labcorp Genetics (formerly Invitae), Labcorp
Classification: Likely benign for Hereditary breast ovarian cancer syndrome. Last evaluated: 2025-11-30. Review status: criteria provided, single submitter. Criteria: Invitae Variant Classification Sherloc (09022015). Collection method: clinical testing. Allele origin: germline. Not counted in ClinVar's aggregate classification.

Women's Health and Genetics/Laboratory Corporation of America, LabCorp
Classification: Likely benign. Last evaluated: 2019-12-31. Review status: criteria provided, single submitter. Criteria: LabCorp Variant Classification Summary - May 2015. Collection method: clinical testing. Allele origin: germline. Not counted in ClinVar's aggregate classification.

GeneDx
Classification: Likely benign. Last evaluated: 2019-04-03. Review status: criteria provided, single submitter. Criteria: GeneDx Variant Classification Process June 2021. Collection method: clinical testing. Allele origin: germline. Affected: yes. Not counted in ClinVar's aggregate classification.
Comment: This variant is associated with the following publications: (PMID: 30287823)

Ambry Genetics
Classification: Likely benign for Hereditary cancer-predisposing syndrome. Last evaluated: 2018-03-22. Review status: criteria provided, single submitter. Criteria: Ambry Variant Classification Scheme 2023. Collection method: clinical testing. Allele origin: germline. Not counted in ClinVar's aggregate classification.

Color Diagnostics, LLC DBA Color Health
Classification: Likely benign for Hereditary cancer-predisposing syndrome. Last evaluated: 2017-02-13. Review status: criteria provided, single submitter. Criteria: ACMG Guidelines, 2015. Collection method: clinical testing. Allele origin: germline. Not counted in ClinVar's aggregate classification.

NM_000059.4(BRCA2):c.3720G>A (p.Leu1240=)

Gene: BRCA2 (BRCA2 DNA repair associated; plus strand). Cytogenetic location: 13q13.1.
Variant type: single nucleotide variant.
Coding change: c.3720G>A on transcript NM_000059.4 (MANE Select); coding-DNA position 3720, G replaced by A.
Protein change: p.Leu1240=; no amino-acid change (leucine 1240 retained).
Molecular consequence: synonymous variant.
Genome position (GRCh38, 1-based): chr13:32,338,075, G>A. VCF-style: chr13-32338075-G-A. GRCh37 (hg19) VCF-style: chr13-32912212-G-A.
Identifiers: ClinVar variation 386534 (VCV000386534.21), dbSNP rs773240495, ClinGen allele CA6940721.
Genomic context (GRCh38, chr13:32,338,075, plus strand): 5'-TTCTGCTCATGGCACAAAACTGAATGTTTCTACTGAAGCTCTGCAAAAAGCTGTGAAACT[G>A]TTTAGTGATATTGAGAATATTAGTGAGGAAACTTCTGCAGAGGTACATCCAATAAGTTTA-3'
Protein context (NP_000050.3, residues 1230-1250): STEALQKAVK[Leu1240=]FSDIENISEE